The following is an entry in ClinVar:

NM_016032.4(ZDHHC9):c.98G>A (p.Arg33Gln)

Gene: ZDHHC9 (zDHHC palmitoyltransferase 9; minus strand). Cytogenetic location: Xq26.1.
Variant type: single nucleotide variant.
Coding change: c.98G>A on transcript NM_016032.4 (MANE Select); coding-DNA position 98, G replaced by A.
Protein change: p.Arg33Gln; replaces arginine 33 with glutamine.
Molecular consequence: missense variant.
Genome position (GRCh38, 1-based): chrX:129,841,848, C>T on the plus strand (G>A on the coding strand, the complement: ZDHHC9 is on the minus strand). VCF-style: chrX-129841848-C-T. GRCh37 (hg19) VCF-style: chrX-128975824-C-T.
Other names: c.98G>A, p.Arg33Gln (NM_001008222.3); short protein forms R33Q.
Identifiers: ClinVar variation 942741 (VCV000942741.11), dbSNP rs767597857, ClinGen allele CA10513592.

ClinVar aggregate classification (germline): Uncertain significance. Review status: criteria provided, multiple submitters, no conflicts (2 of 4 stars). 3 submissions from 3 submitters: Uncertain significance (3). Last evaluated 2025-01-02.

Conditions:
Inborn genetic diseases. Identifiers: MedGen C0950123, MeSH D030342.
Intellectual developmental disorder, X-linked, syndromic, Raymond type. Also called: Syndromic X-linked intellectual disability Raymond type. Identifiers: MedGen C3275406, MONDO:0010427, OMIM 300799.

Allele frequency attached by ClinVar (database versions not stated): gnomAD 0.00001; gnomAD exomes 0.00001 and 0.00002; ExAC 0.00001; TOPMed 0.00001.
gnomAD v4.1: 8 of 1,209,825 alleles (0.00066%); highest among the groups gnomAD compares: South Asian, 0.0018%; no homozygotes.

Submissions (3):

Ambry Genetics
Classification: Uncertain significance for Inborn genetic diseases. Last evaluated: 2025-01-02. Review status: criteria provided, single submitter. Criteria: Ambry Variant Classification Scheme 2023. Collection method: clinical testing. Allele origin: germline.

Labcorp Genetics (formerly Invitae), Labcorp
Classification: Uncertain significance for Intellectual developmental disorder, X-linked, syndromic, Raymond type. Last evaluated: 2024-06-18. Review status: criteria provided, single submitter. Criteria: Invitae Variant Classification Sherloc (09022015). Collection method: clinical testing. Allele origin: germline.
Comment: This sequence change replaces arginine, which is basic and polar, with glutamine, which is neutral and polar, at codon 33 of the ZDHHC9 protein (p.Arg33Gln). The frequency data for this variant in the population databases is considered unreliable, as metrics indicate poor data quality at this position in the gnomAD database. This variant has not been reported in the literature in individuals affected with ZDHHC9-related conditions. ClinVar contains an entry for this variant (Variation ID: 942741). Advanced modeling of protein sequence and biophysical properties (such as structural, functional, and spatial information, amino acid conservation, physicochemical variation, residue mobility, and thermodynamic stability) performed at Invitae indicates that this missense variant is not expected to disrupt ZDHHC9 protein function with a negative predictive value of 80%. In summary, the available evidence is currently insufficient to determine the role of this variant in disease. Therefore, it has been classified as a Variant of Uncertain Significance.

Service de Biochimie Médicale et Biologie Moléculaire, CHU Clermont-Ferrand
Classification: Uncertain significance. Last evaluated: 2022-01-14. Review status: criteria provided, single submitter. Criteria: ACMG Guidelines, 2015. Collection method: clinical testing. Allele origin: maternal. Inheritance: X-linked inheritance. Affected: yes. Observed: 1 hemizygote.